The following is an entry in ClinVar:

NM_198525.3(KIF7):c.685G>C (p.Gly229Arg)

Gene: KIF7 (kinesin family member 7; minus strand). Cytogenetic location: 15q26.1.
Variant type: single nucleotide variant.
Coding change: c.685G>C on transcript NM_198525.3 (MANE Select); coding-DNA position 685, G replaced by C.
Protein change: p.Gly229Arg; replaces glycine 229 with arginine.
Molecular consequence: missense variant.
Genome position (GRCh38, 1-based): chr15:89,649,212, C>G on the plus strand (G>C on the coding strand, the complement: KIF7 is on the minus strand). VCF-style: chr15-89649212-C-G. GRCh37 (hg19) VCF-style: chr15-90192443-C-G.
Other names: short protein forms G229R.
Identifiers: ClinVar variation 2581784 (VCV002581784.1), dbSNP rs1245789833, ClinGen allele CA393775498.

ClinVar aggregate classification (germline): Uncertain significance (1 of 4 stars; one submission).

Allele frequency attached by ClinVar (database versions not stated): gnomAD exomes below 0.00001.
gnomAD v4.1: 2 of 1,546,326 alleles (0.00013%); highest among the groups gnomAD compares: African/African-American, 0.0027%; no homozygotes.

Submission:

GeneDx
Classification: Uncertain significance. Last evaluated: 2023-03-21. Review status: criteria provided, single submitter. Criteria: GeneDx Variant Classification Process June 2021. Collection method: clinical testing. Allele origin: germline. Affected: yes.
Comment: Not observed at significant frequency in large population cohorts (gnomAD); In silico analysis supports that this missense variant does not alter protein structure/function; Has not been previously published as pathogenic or benign to our knowledge